The following is an entry in ClinVar:

ClinVar aggregate classification (germline): Pathogenic (1 of 4 stars; one submission).

Conditions:
Hyperphosphatasia with impaired intellectual development syndrome 1. Also called: MABRY SYNDROME; GLYCOSYLPHOSPHATIDYLINOSITOL BIOSYNTHESIS DEFECT 2; Hyperphosphatasia with intellectual disability syndrome 1. Identifiers: Orphanet 247262, MedGen C4551502, MONDO:0009398, OMIM 239300.

Submission:

Institute of Human Genetics, University of Leipzig Medical Center
Classification: Pathogenic for Hyperphosphatasia with impaired intellectual development syndrome 1. Last evaluated: 2026-05-19. Review status: criteria provided, single submitter. Criteria: ACMG Guidelines, 2015. Collection method: clinical testing. Allele origin: unknown. Inheritance: Autosomal recessive inheritance. Affected: yes.
Comment: Criteria applied: PVS1,PM2

NM_014489.4(PGAP2):c.251del (p.Val84fs)

Gene: PGAP2 (post-GPI attachment to proteins 2; plus strand). Cytogenetic location: 11p15.4.
Variant type: Deletion.
Coding change: c.251del on transcript NM_014489.4 (MANE Select); coding-DNA position 251, one base deleted (T; older notation c.251delT).
Protein change: p.Val84fs; shifts the reading frame from valine 84.
Molecular consequence: frameshift variant. On other transcripts: intron variant (17).
Genome position (GRCh38, 1-based): chr11:3,817,438, T deleted. VCF-style (leftmost placement, unchanged base first): chr11-3817437-GT-G. GRCh37 (hg19) VCF-style: chr11-3838667-GT-G.
Other names: c.162-6832del (NM_001283040.1); c.-38-5471del (NM_001346401.2, NM_001346399.2); c.318+6014del (NM_001346397.2); c.201-5471del (NM_001346402.2); c.165+6014del (NM_001256237.2, NM_001283038.2, NM_001145438.3 and 7 more transcripts); c.-40-6175del (NM_001283039.2); c.251del, p.Val84fs (NM_001256236.2, NM_001346403.1); c.135-5471del (NM_001256235.2); short protein forms V84fs.
Identifiers: ClinVar variation 4857450 (VCV004857450.1).
Genomic context (GRCh38, chr11:3,817,437, plus strand): 5'-GCGGCCTCCCAGCCTTTGGACCCCGATGGGACCTTGTTCCGGCTTCGCTTCACAGCCATG[GT>G]CTGGTGGGCCATCACTTTTCCTGTGTTCGGCTTCTTCTTCTGCATCATCTGGTCCCTGGT-3'